The following is an entry in ClinVar:

NM_020461.4(TUBGCP6):c.5213A>G (p.His1738Arg)

Gene: TUBGCP6 (tubulin gamma complex component 6; minus strand). Cytogenetic location: 22q13.33.
Variant type: single nucleotide variant.
Coding change: c.5213A>G on transcript NM_020461.4 (MANE Select); coding-DNA position 5213, A replaced by G.
Protein change: p.His1738Arg; replaces histidine 1738 with arginine.
Molecular consequence: missense variant.
Genome position (GRCh38, 1-based): chr22:50,218,073, T>C on the plus strand (A>G on the coding strand, the complement: TUBGCP6 is on the minus strand). VCF-style: chr22-50218073-T-C. GRCh37 (hg19) VCF-style: chr22-50656502-T-C.
Other names: short protein forms H1738R.
Identifiers: ClinVar variation 3622163 (VCV003622163.2).

ClinVar aggregate classification (germline): Uncertain significance (1 of 4 stars; one submission).

Submission:

Labcorp Genetics (formerly Invitae), Labcorp
Classification: Uncertain significance. Last evaluated: 2024-04-22. Review status: criteria provided, single submitter. Criteria: Invitae Variant Classification Sherloc (09022015). Collection method: clinical testing. Allele origin: germline.
Comment: This sequence change replaces histidine, which is basic and polar, with arginine, which is basic and polar, at codon 1738 of the TUBGCP6 protein (p.His1738Arg). This variant is not present in population databases (gnomAD no frequency). This variant has not been reported in the literature in individuals affected with TUBGCP6-related conditions. An algorithm developed to predict the effect of missense changes on protein structure and function (PolyPhen-2) suggests that this variant is likely to be disruptive. In summary, the available evidence is currently insufficient to determine the role of this variant in disease. Therefore, it has been classified as a Variant of Uncertain Significance.